The following is an entry in ClinVar:

NM_001377.3(DYNC2H1):c.8311+10A>G

Gene: DYNC2H1 (dynein cytoplasmic 2 heavy chain 1; plus strand). Cytogenetic location: 11q22.3.
Variant type: single nucleotide variant.
Coding change: c.8311+10A>G on transcript NM_001377.3 (MANE Select); 10 bases into the intron after coding-DNA position 8311, A replaced by G.
Molecular consequence: intron variant.
Genome position (GRCh38, 1-based): chr11:103,203,786, A>G. VCF-style: chr11-103203786-A-G. GRCh37 (hg19) VCF-style: chr11-103074515-A-G.
Other names: c.8311+10A>G (NM_001080463.2).
Identifiers: ClinVar variation 302068 (VCV000302068.12), dbSNP rs376842066, ClinGen allele CA6254430.
Genomic context (GRCh38, chr11:103,203,786, plus strand): 5'-AAGCTTCACAAGATGGTTTTTTTGGACCAGTCTTCAATTACTTCACATATAGTAAGTGAC[A>G]TAGAATTCATTAATCAAATCAAACTGGTTTGTATGAAATATATATCATTTAATTTGCCTT-3'

ClinVar aggregate classification (germline): Conflicting classifications of pathogenicity. Review status: criteria provided, conflicting classifications (1 of 4 stars). 4 submissions from 4 submitters: Uncertain significance (1); Likely benign (2). 1 of the submissions does not count toward it. Last evaluated 2026-01-31.

Conditions:
DYNC2H1-related disorder. Also called: DYNC2H1-related condition; DYNC2H1-related disorders. Identifiers: MedGen CN378770.
Jeune thoracic dystrophy. Also called: Infantile thoracic dystrophy; Thoracic pelvic phalangeal dystrophy; Jeune's syndrome; Chondroectodermal dysplasia-like syndrome; Short-rib thoracic dysplasia; Jeune syndrome. Identifiers: Orphanet 474, MedGen C0265275, MONDO:0018770.
Asphyxiating thoracic dystrophy 3. Also called: SHORT-RIB THORACIC DYSPLASIA 3 WITH OR WITHOUT POLYDACTYLY; POLYDACTYLY WITH NEONATAL CHONDRODYSTROPHY, TYPE I; SHORT-RIB THORACIC DYSPLASIA 3/6 WITH POLYDACTYLY, DIGENIC; Short rib polydactyly syndrome 2B; Saldino-Noonan Syndrome. Identifiers: Orphanet 474, Orphanet 93269, Orphanet 93270, Orphanet 93271, MedGen C0036069, MONDO:0013127, OMIM 613091.

Allele frequency attached by ClinVar (database versions not stated): gnomAD exomes 0.00003 and 0.00007; ExAC 0.00005; TOPMed 0.00015; ESP Exome Variant Server 0.00017; gnomAD 0.00021 and 0.00024.
gnomAD v4.1: 73 of 1,537,074 alleles (0.0047%); highest among the groups gnomAD compares: African/African-American, 0.059%; 1 homozygote.

Submissions (4):

Labcorp Genetics (formerly Invitae), Labcorp
Classification: Likely benign for Jeune thoracic dystrophy. Last evaluated: 2026-01-31. Review status: criteria provided, single submitter. Criteria: Invitae Variant Classification Sherloc (09022015). Collection method: clinical testing. Allele origin: germline.

Blueprint Genetics
Classification: Likely benign. Last evaluated: 2022-05-06. Review status: criteria provided, single submitter. Criteria: ACMG Guidelines, 2015. Collection method: clinical testing. Allele origin: germline.

Illumina Laboratory Services, Illumina
Classification: Uncertain significance for Asphyxiating thoracic dystrophy 3. Last evaluated: 2018-01-13. Review status: criteria provided, single submitter. Criteria: ICSL Variant Classification Criteria 13 December 2019. Collection method: clinical testing. Allele origin: germline.

PreventionGenetics, part of Exact Sciences
Classification: Likely benign for DYNC2H1-related condition. Last evaluated: 2019-04-01. Review status: no assertion criteria provided. Collection method: clinical testing. Allele origin: germline. Not counted in ClinVar's aggregate classification.
Comment: This variant is classified as likely benign based on ACMG/AMP sequence variant interpretation guidelines (Richards et al. 2015 PMID: 25741868, with internal and published modifications).